The following is an entry in ClinVar:

NM_006662.3(SRCAP):c.7280C>T (p.Pro2427Leu)

Gene: SRCAP (Snf2 related CREBBP activator protein; plus strand). Cytogenetic location: 16p11.2.
Variant type: single nucleotide variant.
Coding change: c.7280C>T on transcript NM_006662.3 (MANE Select); coding-DNA position 7280, C replaced by T.
Protein change: p.Pro2427Leu; replaces proline 2427 with leucine.
Molecular consequence: missense variant.
Genome position (GRCh38, 1-based): chr16:30,737,320, C>T. VCF-style: chr16-30737320-C-T. GRCh37 (hg19) VCF-style: chr16-30748641-C-T.
Other names: short protein forms P2427L.
Identifiers: ClinVar variation 3677227 (VCV003677227.2).
Genomic context (GRCh38, chr16:30,737,320, plus strand): 5'-AAGGGGCAAACCACACTCCTGTCATATCCGCCCATCAAACTCGCAGCACCACCACACCAC[C>T]CCGCTGCAGTCCTGCCAGGGAGCGAGTTCCCAGGCCAGCACCTAGGCCTCGACCCACTCC-3'
Protein context (NP_006653.2, residues 2417-2437): AHQTRSTTTP[Pro2427Leu]RCSPARERVP

ClinVar aggregate classification (germline): Uncertain significance (1 of 4 stars; one submission).

Submission:

Labcorp Genetics (formerly Invitae), Labcorp
Classification: Uncertain significance. Last evaluated: 2024-05-08. Review status: criteria provided, single submitter. Criteria: Invitae Variant Classification Sherloc (09022015). Collection method: clinical testing. Allele origin: germline.
Comment: This sequence change replaces proline, which is neutral and non-polar, with leucine, which is neutral and non-polar, at codon 2427 of the SRCAP protein (p.Pro2427Leu). This variant is not present in population databases (gnomAD no frequency). This variant has not been reported in the literature in individuals affected with SRCAP-related conditions. Advanced modeling of protein sequence and biophysical properties (such as structural, functional, and spatial information, amino acid conservation, physicochemical variation, residue mobility, and thermodynamic stability) performed at Invitae indicates that this missense variant is not expected to disrupt SRCAP protein function with a negative predictive value of 80%. In summary, the available evidence is currently insufficient to determine the role of this variant in disease. Therefore, it has been classified as a Variant of Uncertain Significance.